The following is an entry in ClinVar:

ClinVar aggregate classification (germline): Conflicting classifications of pathogenicity. Review status: criteria provided, conflicting classifications (1 of 4 stars). 2 submissions from 2 submitters: Uncertain significance (1); Likely benign (1). Last evaluated 2025-04-14.

Allele frequency attached by ClinVar (database versions not stated): gnomAD exomes 0.00006; ExAC 0.00006; gnomAD 0.00008; TOPMed 0.00013.
gnomAD v4.1: 104 of 1,613,738 alleles (0.0064%); highest among the groups gnomAD compares: Admixed American, 0.013%; no homozygotes.

Submissions (2):

Labcorp Genetics (formerly Invitae), Labcorp
Classification: Uncertain significance. Last evaluated: 2025-04-14. Review status: criteria provided, single submitter. Criteria: Invitae Variant Classification Sherloc (09022015). Collection method: clinical testing. Allele origin: germline.
Comment: This sequence change replaces arginine, which is basic and polar, with glutamine, which is neutral and polar, at codon 1176 of the CCDC141 protein (p.Arg1176Gln). This variant is present in population databases (rs761023328, gnomAD 0.01%). This variant has not been reported in the literature in individuals affected with CCDC141-related conditions. ClinVar contains an entry for this variant (Variation ID: 3138420). An algorithm developed to predict the effect of missense changes on protein structure and function outputs the following: PolyPhen-2: "Benign". The glutamine amino acid residue is found in multiple mammalian species, which suggests that this missense change does not adversely affect protein function. In summary, the available evidence is currently insufficient to determine the role of this variant in disease. Therefore, it has been classified as a Variant of Uncertain Significance.

Ambry Genetics
Classification: Likely benign. Last evaluated: 2023-11-14. Review status: criteria provided, single submitter. Criteria: Ambry Variant Classification Scheme 2023. Collection method: clinical testing. Allele origin: germline.

NM_173648.4(CCDC141):c.3527G>A (p.Arg1176Gln)

Gene: CCDC141 (coiled-coil domain containing 141; minus strand). Cytogenetic location: 2q31.2.
Variant type: single nucleotide variant.
Coding change: c.3527G>A on transcript NM_173648.4 (MANE Select); coding-DNA position 3527, G replaced by A.
Protein change: p.Arg1176Gln; replaces arginine 1176 with glutamine.
Molecular consequence: missense variant.
Genome position (GRCh38, 1-based): chr2:178,837,692, C>T on the plus strand (G>A on the coding strand, the complement: CCDC141 is on the minus strand). VCF-style: chr2-178837692-C-T. GRCh37 (hg19) VCF-style: chr2-179702419-C-T.
Other names: short protein forms R1176Q.
Identifiers: ClinVar variation 3138420 (VCV003138420.3), dbSNP rs761023328, ClinGen allele CA2006672.